The following is an entry in ClinVar:

NM_001040108.2(MLH3):c.1159A>T (p.Arg387Trp)

Gene: MLH3 (mutL homolog 3; minus strand). Cytogenetic location: 14q24.3.
Variant type: single nucleotide variant.
Coding change: c.1159A>T on transcript NM_001040108.2 (MANE Select); coding-DNA position 1159, A replaced by T.
Protein change: p.Arg387Trp; replaces arginine 387 with tryptophan.
Molecular consequence: missense variant.
Genome position (GRCh38, 1-based): chr14:75,048,497, T>A on the plus strand (A>T on the coding strand, the complement: MLH3 is on the minus strand). VCF-style: chr14-75048497-T-A. GRCh37 (hg19) VCF-style: chr14-75515200-T-A.
Other names: c.1159A>T, p.Arg387Trp (NM_014381.3); short protein forms R387W.
Identifiers: ClinVar variation 942695 (VCV000942695.14), dbSNP rs1259512716, ClinGen allele CA390447222.

ClinVar aggregate classification (germline): Uncertain significance. Review status: criteria provided, multiple submitters, no conflicts (2 of 4 stars). 2 submissions from 2 submitters: Uncertain significance (2). Last evaluated 2025-07-04.

Conditions:
Colorectal cancer, hereditary nonpolyposis, type 7. Identifiers: Orphanet 144, MedGen C1858380, MONDO:0013725, OMIM 614385.

Allele frequency attached by ClinVar (database versions not stated): TOPMed 0.00001.
gnomAD v4.1: 2 of 1,613,212 alleles (0.00012%); highest among the groups gnomAD compares: Non-Finnish European, 0.00017%; no homozygotes.

Submissions (2):

Ambry Genetics
Classification: Uncertain significance. Last evaluated: 2025-07-04. Review status: criteria provided, single submitter. Criteria: Ambry Variant Classification Scheme 2023. Collection method: clinical testing. Allele origin: germline.

Labcorp Genetics (formerly Invitae), Labcorp
Classification: Uncertain significance for Colorectal cancer, hereditary nonpolyposis, type 7. Last evaluated: 2024-07-10. Review status: criteria provided, single submitter. Criteria: Invitae Variant Classification Sherloc (09022015). Collection method: clinical testing. Allele origin: germline.
Comment: This sequence change replaces arginine, which is basic and polar, with tryptophan, which is neutral and slightly polar, at codon 387 of the MLH3 protein (p.Arg387Trp). This variant is not present in population databases (gnomAD no frequency). This variant has not been reported in the literature in individuals affected with MLH3-related conditions. ClinVar contains an entry for this variant (Variation ID: 942695). An algorithm developed to predict the effect of missense changes on protein structure and function (PolyPhen-2) suggests that this variant is likely to be disruptive. In summary, the available evidence is currently insufficient to determine the role of this variant in disease. Therefore, it has been classified as a Variant of Uncertain Significance.